The following is an entry in ClinVar:

ClinVar aggregate classification (germline): Pathogenic/Likely pathogenic. Review status: criteria provided, multiple submitters, no conflicts (2 of 4 stars). 3 submissions from 3 submitters: Pathogenic (1); Likely pathogenic (2). Last evaluated 2026-02-13.

Conditions:
Joubert syndrome. Also called: JOUBERT-BOLTSHAUSER SYNDROME; Familial aplasia of the vermis. Identifiers: Orphanet 475, MedGen C5979921, MONDO:0018772.
Joubert syndrome 3 (JBTS3). Also called: AHI1-related Ciliopathy. Identifiers: Orphanet 220493, MedGen C1837713, MONDO:0012078, OMIM 608629.

Submissions (3):

GeneDx
Classification: Likely pathogenic. Last evaluated: 2026-02-13. Review status: criteria provided, single submitter. Criteria: GeneDx Variant Classification Process June 2021. Collection method: clinical testing. Allele origin: germline.
Comment: Frameshift variant predicted to result in protein truncation or nonsense mediated decay in a gene for which loss of function is a known mechanism of disease; Not observed at significant frequency in large population cohorts (gnomAD); Has not been previously published as pathogenic or benign to our knowledge

Fulgent Genetics
Classification: Likely pathogenic for Joubert syndrome 3. Last evaluated: 2024-05-07. Review status: criteria provided, single submitter. Criteria: ACMG Guidelines, 2015. Collection method: clinical testing. Allele origin: germline.

Labcorp Genetics (formerly Invitae), Labcorp
Classification: Pathogenic for Joubert syndrome. Last evaluated: 2024-02-20. Review status: criteria provided, single submitter. Criteria: Invitae Variant Classification Sherloc (09022015). Collection method: clinical testing. Allele origin: germline.
Comment: This sequence change creates a premature translational stop signal (p.Ser745Valfs*23) in the AHI1 gene. It is expected to result in an absent or disrupted protein product. Loss-of-function variants in AHI1 are known to be pathogenic (PMID: 15322546, 16453322, 28442542, 29186038). This variant is not present in population databases (gnomAD no frequency). This variant has not been reported in the literature in individuals affected with AHI1-related conditions. ClinVar contains an entry for this variant (Variation ID: 1363432). For these reasons, this variant has been classified as Pathogenic.

Literature cited by the submitters: PubMed 15322546 (cited by Labcorp Genetics (formerly Invitae), Labcorp); PubMed 16453322 (cited by Labcorp Genetics (formerly Invitae), Labcorp); PubMed 28442542 (cited by Labcorp Genetics (formerly Invitae), Labcorp); PubMed 29186038 (cited by Labcorp Genetics (formerly Invitae), Labcorp).

NM_001134831.2(AHI1):c.2233del (p.Ser745fs)

Gene: AHI1 (Abelson helper integration site 1; minus strand). Cytogenetic location: 6q23.3.
Variant type: Deletion.
Coding change: c.2233del on transcript NM_001134831.2 (MANE Select); coding-DNA position 2233, one base deleted (A; older notation c.2233delA).
Protein change: p.Ser745fs; shifts the reading frame from serine 745.
Molecular consequence: frameshift variant.
Genome position (GRCh38, 1-based): chr6:135,433,060, T deleted on the plus strand (A on the coding strand, the reverse complement: AHI1 is on the minus strand); the first of 4 consecutive T bases (chr6:135,433,060-135,433,063); deleting any one gives the same sequence. VCF-style (leftmost placement, unchanged base first): chr6-135433059-CT-C. GRCh37 (hg19) VCF-style: chr6-135754197-CT-C.
Other names: c.2233del, p.Ser745fs (NM_001134830.2, NM_001134832.2, NM_001350503.2 and 2 more transcripts); c.2233del (NM_017651.4); short protein forms S745fs.
Identifiers: ClinVar variation 1363432 (VCV001363432.8), dbSNP rs1784890440, ClinGen allele CA2573140538.
Genomic context (GRCh38, chr6:135,433,059, plus strand): 5'-TGGTCTTCATTCATAGTCTCTGACATACCTTCAGTATCAAAACAAAGTGAGTTGATAAAA[CT>C]TTTGTGAACATCAAACTGTCGGACCAATATGGCAGAATCTTCTCTCATCTCAACTTTCCA-3'